The following is an entry in ClinVar:

ClinVar aggregate classification (germline): not provided (0 of 4 stars; one submission).

Conditions:
Normal pregnancy. Identifiers: MedGen C0232989.

Submission:

Institute of Molecular and Cell Biology, University of Tartu
No classification provided. Condition: Normal pregnancy. Review status: no classification provided. Collection method: case-control. Allele origin: unknown. Affected: yes. Study: Kasak2014.
Comment: The study aimed to determine the contribution of copy number variants in the genetic etiology of normal and complicated pregnancies. The samples represented (i) maternal blood DNA drawn from healthy pregnant women during 1st or 2nd trimester and (ii) maternal and paternal blood DNA drawn at term pregnancy cases representing normal and complicated gestations (severe preeclampsia, PE; gestational diabetes, GD; small-for-gestational age newborn, SGA; large-for-gestational age newborn, LGA). We performed CNV calling based on genome-wide genotyping dataset (Illumina HumanOmniExpress-24-v1 BeadChip) by applying three algorithms, QuantiSNP, GADA (Genome Alteration Detection Algorithm) and CNstream in parallel. The acquired CNV calls were merged with HD-CNV (Hotspot Detector for Copy Number Variants) program and only the CNVs predicted by at least two programs, were considered in subsequent analysis.

Literature cited by the submitters: PubMed 25666259.

CM000665.1:g.163178778_163263886dup

Gene: LOC132088901 (Neanderthal introgressed variant-containing enhancer experimental_66489; plus strand). Cytogenetic location: 3q26.1.
Variant type: Duplication.
Identifiers: ClinVar variation 156894 (VCV000156894.2).